The following is an entry in ClinVar:

NM_000361.3(THBD):c.537T>A (p.Ala179=)

Gene: THBD (thrombomodulin; minus strand). Cytogenetic location: 20p11.21.
Variant type: single nucleotide variant.
Coding change: c.537T>A on transcript NM_000361.3 (MANE Select); coding-DNA position 537, T replaced by A.
Protein change: p.Ala179=; no amino-acid change (alanine 179 retained).
Molecular consequence: synonymous variant.
Genome position (GRCh38, 1-based): chr20:23,048,968, A>T on the plus strand (T>A on the coding strand, the complement: THBD is on the minus strand). VCF-style: chr20-23048968-A-T. GRCh37 (hg19) VCF-style: chr20-23029605-A-T.
Identifiers: ClinVar variation 4710356 (VCV004710356.1).
Genomic context (GRCh38, chr20:23,048,968, plus strand): 5'-GGCCGCGAACGGGGTGCCGTAGGTGATCGAGACGGCGGCAGCCGCGGCGCCGGGCTCCAC[A>T]GCCAGTGGCCTGCAGGTGGCTGGGAAGTGGAACTCGCAGAGGAAGCCATCGGCCTTCACT-3'
Protein context (NP_000352.1, residues 169-189): FHFPATCRPL[Ala179=]VEPGAAAAAV

ClinVar aggregate classification (germline): Uncertain significance (1 of 4 stars; one submission).

gnomAD v4.1: 1 of 1,559,894 alleles (0.000064%); highest among the groups gnomAD compares: South Asian, 0.0012%; no homozygotes.

Submission:

Labcorp Genetics (formerly Invitae), Labcorp
Classification: Uncertain significance. Last evaluated: 2025-02-20. Review status: criteria provided, single submitter. Criteria: Invitae Variant Classification Sherloc (09022015). Collection method: clinical testing. Allele origin: germline.
Comment: This sequence change affects codon 179 of the THBD mRNA. It is a 'silent' change, meaning that it does not change the encoded amino acid sequence of the THBD protein. This variant is not present in population databases (gnomAD no frequency). This variant has not been reported in the literature in individuals affected with THBD-related conditions. In summary, the available evidence is currently insufficient to determine the role of this variant in disease. Therefore, it has been classified as a Variant of Uncertain Significance.